The following is an entry in ClinVar:

NM_006180.6(NTRK2):c.1639C>G (p.Gln547Glu)

Gene: NTRK2 (neurotrophic receptor tyrosine kinase 2; plus strand). Cytogenetic location: 9q21.33.
Variant type: single nucleotide variant.
Coding change: c.1639C>G on transcript NM_006180.6 (MANE Select); coding-DNA position 1639, C replaced by G.
Protein change: p.Gln547Glu; replaces glutamine 547 with glutamic acid.
Molecular consequence: missense variant.
Genome position (GRCh38, 1-based): chr9:84,934,167, C>G. VCF-style: chr9-84934167-C-G. GRCh37 (hg19) VCF-style: chr9-87549082-C-G.
Other names: c.1591C>G, p.Gln531Glu (NM_001018064.3, NM_001369532.1, NM_001369533.1); c.1555C>G, p.Gln519Glu (NM_001369534.1); c.1123C>G, p.Gln375Glu (NM_001369535.1); c.1171C>G, p.Gln391Glu (NM_001369536.1); short protein forms Q375E, Q391E, Q519E, Q531E, Q547E.
Identifiers: ClinVar variation 4292071 (VCV004292071.1).

ClinVar aggregate classification (germline): Uncertain significance (1 of 4 stars; one submission).

Conditions:
Developmental and epileptic encephalopathy, 58. Also called: EPILEPTIC ENCEPHALOPATHY, EARLY INFANTILE, 58. Identifiers: MedGen C4693367, MONDO:0033367, OMIM 617830.

Submission:

3billion
Classification: Uncertain significance for Developmental and epileptic encephalopathy, 58. Last evaluated: 2024-10-23. Review status: criteria provided, single submitter. Criteria: ACMG Guidelines, 2015. Collection method: clinical testing. Allele origin: germline. Affected: yes.
Comment: The variant is not observed in the gnomAD v4.1.0 dataset. Predicted Consequence/Location: Missense variant. Missense changes are a common disease-causing mechanism. Damaging effect on gene or gene product predicted by in silico programs is uncertain [REVEL: 0.56 (damaging >=0.6, benign <0.4)]. Therefore, this variant is classified as VUS according to the recommendation of ACMG/AMP guideline.